The following is an entry in ClinVar:

NM_003647.3(DGKE):c.1614A>G (p.Thr538=)

Gene: DGKE (diacylglycerol kinase epsilon; plus strand). Cytogenetic location: 17q22.
Variant type: single nucleotide variant.
Coding change: c.1614A>G on transcript NM_003647.3 (MANE Select); coding-DNA position 1614, A replaced by G.
Protein change: p.Thr538=; no amino-acid change (threonine 538 retained).
Molecular consequence: synonymous variant.
Genome position (GRCh38, 1-based): chr17:56,862,701, A>G. VCF-style: chr17-56862701-A-G. GRCh37 (hg19) VCF-style: chr17-54940062-A-G.
Other names: p.Thr538=.
Identifiers: ClinVar variation 728026 (VCV000728026.7), dbSNP rs76100345, ClinGen allele CA8663863.

ClinVar aggregate classification (germline): Likely benign. Review status: criteria provided, multiple submitters, no conflicts (2 of 4 stars). 3 submissions from 3 submitters: Likely benign (3). Last evaluated 2025-09-08.

Allele frequency attached by ClinVar (database versions not stated): 1000 Genomes Project 0.00060; gnomAD 0.00001 and 0.00005; TOPMed 0.00003; gnomAD exomes 0.00013; ExAC 0.00018; 1000 Genomes Project 30x 0.00047.

Submissions (3):

Mayo Clinic Laboratories, Mayo Clinic
Classification: Likely benign. Last evaluated: 2025-09-08. Review status: criteria provided, single submitter. Criteria: ACMG Guidelines, 2015. Collection method: clinical testing. Allele origin: germline. Observed: 1 variant allele.
Comment: BS1, BP4, BP7

Labcorp Genetics (formerly Invitae), Labcorp
Classification: Likely benign. Last evaluated: 2025-01-21. Review status: criteria provided, single submitter. Criteria: Invitae Variant Classification Sherloc (09022015). Collection method: clinical testing. Allele origin: germline.

Blueprint Genetics
Classification: Likely benign. Last evaluated: 2021-06-08. Review status: criteria provided, single submitter. Criteria: ACMG Guidelines, 2015. Collection method: clinical testing. Allele origin: germline.